The following is an entry in ClinVar:

NM_000520.6(HEXA):c.200G>T (p.Arg67Leu)

Gene: HEXA (hexosaminidase subunit alpha; minus strand). Cytogenetic location: 15q23.
Variant type: single nucleotide variant.
Coding change: c.200G>T on transcript NM_000520.6 (MANE Select); coding-DNA position 200, G replaced by T.
Protein change: p.Arg67Leu; replaces arginine 67 with leucine.
Molecular consequence: missense variant. On other transcripts: non-coding transcript variant (1).
Genome position (GRCh38, 1-based): chr15:72,375,773, C>A on the plus strand (G>T on the coding strand, the complement: HEXA is on the minus strand). VCF-style: chr15-72375773-C-A. GRCh37 (hg19) VCF-style: chr15-72668114-C-A.
Other names: c.200G>T, p.Arg67Leu (NM_001318825.2); short protein forms R67L.
Identifiers: ClinVar variation 1516667 (VCV001516667.6), dbSNP rs1213459678, ClinGen allele CA393070192.

ClinVar aggregate classification (germline): Uncertain significance (1 of 4 stars; one submission).

Conditions:
Tay-Sachs disease (TSD). Also called: HEXA DEFICIENCY; HEXA Disorders; GM2 gangliosidosis, type 1; Hexosaminidase alpha-subunit deficiency (variant B); Sphingolipidosis, Tay-Sachs; Hexosaminidase A Deficiency. Identifiers: Orphanet 845, MedGen C0039373, MONDO:0010100, OMIM 272800.

Submission:

Labcorp Genetics (formerly Invitae), Labcorp
Classification: Uncertain significance for Tay-Sachs disease. Last evaluated: 2021-12-02. Review status: criteria provided, single submitter. Criteria: Invitae Variant Classification Sherloc (09022015). Collection method: clinical testing. Allele origin: germline.
Comment: In summary, the available evidence is currently insufficient to determine the role of this variant in disease. Therefore, it has been classified as a Variant of Uncertain Significance. Algorithms developed to predict the effect of missense changes on protein structure and function are either unavailable or do not agree on the potential impact of this missense change (SIFT: "Deleterious"; PolyPhen-2: "Probably Damaging"; Align-GVGD: "Class C0"). This variant has not been reported in the literature in individuals affected with HEXA-related conditions. This variant is not present in population databases (gnomAD no frequency). This sequence change replaces arginine, which is basic and polar, with leucine, which is neutral and non-polar, at codon 67 of the HEXA protein (p.Arg67Leu).